The following is an entry in ClinVar:

NM_014946.4(SPAST):c.1489C>A (p.Leu497Ile)

Gene: SPAST (spastin; plus strand). Cytogenetic location: 2p22.3.
Variant type: single nucleotide variant.
Coding change: c.1489C>A on transcript NM_014946.4 (MANE Select); coding-DNA position 1489, C replaced by A.
Protein change: p.Leu497Ile; replaces leucine 497 with isoleucine.
Molecular consequence: missense variant.
Genome position (GRCh38, 1-based): chr2:32,137,184, C>A. VCF-style: chr2-32137184-C-A. GRCh37 (hg19) VCF-style: chr2-32362253-C-A.
Other names: c.1486C>A, p.Leu496Ile (NM_001363823.2); c.1390C>A, p.Leu464Ile (NM_001363875.2); c.1393C>A, p.Leu465Ile (NM_001377959.1, NM_199436.2); short protein forms L464I, L465I, L496I, L497I.
Identifiers: ClinVar variation 4540293 (VCV004540293.1).

ClinVar aggregate classification (germline): Uncertain significance (1 of 4 stars; one submission).

Submission:

GeneDx
Classification: Uncertain significance. Last evaluated: 2025-06-24. Review status: criteria provided, single submitter. Criteria: GeneDx Variant Classification Process June 2021. Collection method: clinical testing. Allele origin: germline. Affected: yes.
Comment: Not observed at significant frequency in large population cohorts (gnomAD); In silico analysis suggests that this missense variant does not alter protein structure/function; Has not been previously published as pathogenic or benign to our knowledge; This variant is associated with the following publications: (PMID: 21139634, 26094131)